The following is an entry in ClinVar:

ClinVar aggregate classification (germline): Uncertain significance (1 of 4 stars; one submission).

Submission:

Institute for Human Genetics, University Hospital Essen
Classification: Uncertain significance. Last evaluated: 2005-03-05. Review status: criteria provided, single submitter. Criteria: ACMG Guidelines, 2015. Collection method: clinical testing. Allele origin: de novo. Affected: yes.
Comment: PM2_supp, PS2

NR_104086.2(RNVU1-19):n.52A>G

Genes: RNVU1-19 (RNA, variant U1 small nuclear 19; minus strand), LOC129931314 (ATAC-STARR-seq lymphoblastoid silent region 1251; plus strand). Cytogenetic location: 1p11.2.
Variant type: single nucleotide variant.
Molecular consequence: non-coding transcript variant (on NR_104086.2).
Genome position: GRCh38 VCF-style: chr1-120850934-T-C.
Identifiers: ClinVar variation 3770180 (VCV003770180.1).